The following is an entry in ClinVar:

NM_213599.3(ANO5):c.1930G>C (p.Ala644Pro)

Gene: ANO5 (anoctamin 5; plus strand). Cytogenetic location: 11p14.3.
Variant type: single nucleotide variant.
Coding change: c.1930G>C on transcript NM_213599.3 (MANE Select); coding-DNA position 1930, G replaced by C.
Protein change: p.Ala644Pro; replaces alanine 644 with proline.
Molecular consequence: missense variant.
Genome position (GRCh38, 1-based): chr11:22,270,343, G>C. VCF-style: chr11-22270343-G-C. GRCh37 (hg19) VCF-style: chr11-22291889-G-C.
Other names: c.1927G>C, p.Ala643Pro (NM_001142649.2); short protein forms A644P, A643P.
Identifiers: ClinVar variation 579907 (VCV000579907.11), dbSNP rs1302354806, ClinGen allele CA379923292.
Genomic context (GRCh38, chr11:22,270,343, plus strand): 5'-CATATATTAACTTTTATCACTTCCAACAGCTTGGCTTTGAATTGGTGGAGACGCCGAAAA[G>C]CTCGGACAAACTCTGAGAAGCTGTATAGTCGATGGGAGCAGGATCATGACCTTGAAAGTT-3'
Protein context (NP_998764.1, residues 634-654): LALNWWRRRK[Ala644Pro]RTNSEKLYSR

ClinVar aggregate classification (germline): Uncertain significance. Review status: criteria provided, multiple submitters, no conflicts (2 of 4 stars). 3 submissions from 3 submitters: Uncertain significance (3). Last evaluated 2025-09-02.

Conditions:
Autosomal recessive limb-girdle muscular dystrophy type 2L (LGMDR12). Also called: MUSCULAR DYSTROPHY, LIMB-GIRDLE, AUTOSOMAL RECESSIVE 12; Limb-girdle muscular dystrophy, type 2L; Limb-Girdle Muscular Dystrophy R12 Anoctamin-5-Related (LGMD-R12). Identifiers: Orphanet 206549, MedGen C1969785, MONDO:0012652, OMIM 611307.
Gnathodiaphyseal dysplasia (GDD). Also called: GNATHODIAPHYSEAL SCLEROSIS; OSTEOGENESIS IMPERFECTA WITH UNUSUAL SKELETAL LESIONS. Identifiers: Orphanet 53697, MedGen C1833736, MONDO:0008151, OMIM 166260.
Inborn genetic diseases. Identifiers: MedGen C0950123, MeSH D030342.

Allele frequency attached by ClinVar (database versions not stated): TOPMed 0.00001.
gnomAD v4.1: 5 of 1,614,010 alleles (0.00031%); highest among the groups gnomAD compares: East Asian, 0.0022%; no homozygotes.

Submissions (3):

Women's Health and Genetics/Laboratory Corporation of America, LabCorp
Classification: Uncertain significance. Last evaluated: 2025-09-02. Review status: criteria provided, single submitter. Criteria: LabCorp Variant Classification Summary - May 2015. Collection method: clinical testing. Allele origin: germline.
Comment: Variant summary: ANO5 c.1930G>C (p.Ala644Pro) results in a non-conservative amino acid change in the encoded protein sequence. Algorithms developed to predict the effect of missense changes on protein structure and function are either unavailable or do not agree on the potential impact of this missense change. The variant allele was found at a frequency of 8e-06 in 251430 control chromosomes. The available data on variant occurrences in the general population are insufficient to allow any conclusion about variant significance. To our knowledge, no occurrence of c.1930G>C in individuals affected with ANO5-related conditions and no experimental evidence demonstrating its impact on protein function have been reported. ClinVar contains an entry for this variant (Variation ID: 579907). Based on the evidence outlined above, the variant was classified as uncertain significance.

Labcorp Genetics (formerly Invitae), Labcorp
Classification: Uncertain significance for Autosomal recessive limb-girdle muscular dystrophy type 2L; Gnathodiaphyseal dysplasia. Last evaluated: 2025-04-11. Review status: criteria provided, single submitter. Criteria: Invitae Variant Classification Sherloc (09022015). Collection method: clinical testing. Allele origin: germline.
Comment: This sequence change replaces alanine, which is neutral and non-polar, with proline, which is neutral and non-polar, at codon 644 of the ANO5 protein (p.Ala644Pro). This variant is present in population databases (no rsID available, gnomAD 0.006%). This variant has not been reported in the literature in individuals affected with ANO5-related conditions. ClinVar contains an entry for this variant (Variation ID: 579907). Invitae Evidence Modeling of protein sequence and biophysical properties (such as structural, functional, and spatial information, amino acid conservation, physicochemical variation, residue mobility, and thermodynamic stability) has been performed for this missense variant. However, the output from this modeling did not meet the statistical confidence thresholds required to predict the impact of this variant on ANO5 protein function. In summary, the available evidence is currently insufficient to determine the role of this variant in disease. Therefore, it has been classified as a Variant of Uncertain Significance.

Ambry Genetics
Classification: Uncertain significance for Inborn genetic diseases. Last evaluated: 2025-03-31. Review status: criteria provided, single submitter. Criteria: Ambry Variant Classification Scheme 2023. Collection method: clinical testing. Allele origin: germline.